The following is an entry in ClinVar:

NM_007315.4(STAT1):c.1066T>G (p.Tyr356Asp)

Gene: STAT1 (signal transducer and activator of transcription 1; minus strand). Cytogenetic location: 2q32.2.
Variant type: single nucleotide variant.
Coding change: c.1066T>G on transcript NM_007315.4 (MANE Select); coding-DNA position 1066, T replaced by G.
Protein change: p.Tyr356Asp; replaces tyrosine 356 with aspartic acid.
Molecular consequence: missense variant. On other transcripts: intron variant (1).
Genome position (GRCh38, 1-based): chr2:190,989,646, A>C on the plus strand (T>G on the coding strand, the complement: STAT1 is on the minus strand). VCF-style: chr2-190989646-A-C. GRCh37 (hg19) VCF-style: chr2-191854372-A-C.
Other names: c.1072T>G, p.Tyr358Asp (NM_001384881.1, NM_001384884.1); c.1066T>G, p.Tyr356Asp (NM_001384882.1, NM_001384886.1, NM_001384888.1 and 2 more transcripts); c.967T>G, p.Tyr323Asp (NM_001384883.1); c.907T>G, p.Tyr303Asp (NM_001384885.1); c.973T>G, p.Tyr325Asp (NM_001384887.1); c.976T>G, p.Tyr326Asp (NM_001384890.1); c.1102T>G, p.Tyr368Asp (NM_001384891.1); c.1037+1582T>G (NM_001384880.1); short protein forms Y303D, Y323D, Y325D, Y326D, Y356D, Y358D, Y368D.
Identifiers: ClinVar variation 2683749 (VCV002683749.2), dbSNP rs2470477597, ClinGen allele CA349919972.

ClinVar aggregate classification (germline): Likely pathogenic (1 of 4 stars; one submission).

Conditions:
Autoimmune enteropathy and endocrinopathy - susceptibility to chronic infections syndrome. Also called: Immunodeficiency 31C, autosomal dominant; Immunodeficiency 31C. Identifiers: Orphanet 391487, MedGen C3279990, MONDO:0013599, OMIM 614162.

Submission:

Pele Pequeno Principe Research Institute, Faculdades Pequeno Principe
Classification: Likely pathogenic for Autoimmune enteropathy and endocrinopathy - susceptibility to chronic infections syndrome. Last evaluated: 2024-01-03. Review status: criteria provided, single submitter. Criteria: ACMG Guidelines, 2015. Collection method: research. Allele origin: de novo. Inheritance: Autosomal dominant inheritance. Affected: yes. Observed: 1 heterozygote.
Comment: Missense mutations represent a common mechanism underlying diseases related to the STAT1 gene, and the Y356D mutation exhibits an extremely low frequency. Considering segregation studies and adherence to the American College of Medical Genetics and Genomics (ACMG) criteria, the Y356D variant aligns with our criteria for classification as likely pathogenic (PM2; PP2; PP3; and PS2)